The following is an entry in ClinVar:

ClinVar aggregate classification (germline): Likely pathogenic (3 of 4 stars; one submission).

Conditions:
Phenylketonuria (PKU). Also called: OLIGOPHRENIA PHENYLPYRUVICA; Phenylketonurias; FOLLING DISEASE; Phenylketonuria (PKU). Identifiers: Orphanet 716, MedGen C0031485, MONDO:0009861, OMIM 261600. Disease mechanism: loss of function.

Submission:

ClinGen PAH Variant Curation Expert Panel
Classification: Likely pathogenic for Phenylketonuria. Last evaluated: 2018-12-10. Review status: reviewed by expert panel. Criteria: ClinGen PAH ACMG Specifications v1. Collection method: curation. Allele origin: germline. Inheritance: Autosomal recessive inheritance.
Comment: BH4 deficiency was excluded. It was detected in trans with a known pathogenic variant, p.R413P. (PMID: 26322415) This variant is absent from ExAC, gnomAD, 1000G, and ESP.Computational evidence is conflicting. In summary, this variant meets criteria to be classified as likely pathogenic for PAH. PAH-specific ACMG/AMP criteria applied: PM2, PM3, PP4_Moderate.

Literature cited by the submitters: PubMed 26322415.

NM_000277.3(PAH):c.224A>T (p.Asp75Val)

Gene: PAH (phenylalanine hydroxylase; minus strand). Cytogenetic location: 12q23.2.
Variant type: single nucleotide variant.
Coding change: c.224A>T on transcript NM_000277.3 (MANE Select); coding-DNA position 224, A replaced by T.
Protein change: p.Asp75Val; replaces aspartic acid 75 with valine.
Molecular consequence: missense variant.
Genome position (GRCh38, 1-based): chr12:102,894,863, T>A on the plus strand (A>T on the coding strand, the complement: PAH is on the minus strand). VCF-style: chr12-102894863-T-A. GRCh37 (hg19) VCF-style: chr12-103288641-T-A.
Other names: c.224A>T, p.Asp75Val (NM_001354304.2); short protein forms D75V.
Identifiers: ClinVar variation 619157 (VCV000619157.2), dbSNP rs1565866547, ClinGen allele CA16020751.